The following is an entry in ClinVar:

NM_000098.3(CPT2):c.1741C>T (p.Gln581Ter)

Gene: CPT2 (carnitine palmitoyltransferase 2; plus strand). Cytogenetic location: 1p32.3.
Variant type: single nucleotide variant.
Coding change: c.1741C>T on transcript NM_000098.3 (MANE Select); coding-DNA position 1741, C replaced by T.
Protein change: p.Gln581Ter; replaces glutamine 581 with a stop codon.
Molecular consequence: nonsense.
Genome position (GRCh38, 1-based): chr1:53,213,359, C>T. VCF-style: chr1-53213359-C-T. GRCh37 (hg19) VCF-style: chr1-53679031-C-T.
Other names: c.1672C>T, p.Gln558Ter (NM_001330589.2); short protein forms Q558*, Q581*.
Identifiers: ClinVar variation 3061107 (VCV003061107.4), dbSNP rs2525596224, ClinGen allele CA340397556.

ClinVar aggregate classification (germline): Pathogenic. Review status: criteria provided, multiple submitters, no conflicts (2 of 4 stars). 3 submissions from 3 submitters: Pathogenic (2). 1 of the submissions does not count toward it. Last evaluated 2025-10-19.

Conditions:
CPT2-related disorder. Also called: CPT2-related condition.
Carnitine palmitoyltransferase II deficiency. Also called: Carnitine Palmitoyltransferase 2 Deficiency. Identifiers: Orphanet 157, MedGen C0342790, MONDO:0015515.

Submissions (3):

Labcorp Genetics (formerly Invitae), Labcorp
Classification: Pathogenic for Carnitine palmitoyltransferase II deficiency. Last evaluated: 2025-10-19. Review status: criteria provided, single submitter. Criteria: Invitae Variant Classification Sherloc (09022015). Collection method: clinical testing. Allele origin: germline.
Comment: This sequence change creates a premature translational stop signal (p.Gln581*) in the CPT2 gene. While this is not anticipated to result in nonsense mediated decay, it is expected to disrupt the last 78 amino acid(s) of the CPT2 protein. This variant is not present in population databases (gnomAD no frequency). This variant has not been reported in the literature in individuals affected with CPT2-related conditions. ClinVar contains an entry for this variant (Variation ID: 3061107). Algorithms developed to predict the effect of sequence changes on RNA splicing suggest that this variant may create or strengthen a splice site. This variant disrupts a region of the CPT2 protein in which other variant(s) (p.Glu645Argfs*5) have been determined to be pathogenic (PMID: 17936304, 21913903). This suggests that this is a clinically significant region of the protein, and that variants that disrupt it are likely to be disease-causing. For these reasons, this variant has been classified as Pathogenic.

Myriad Genetics, Inc.
Classification: Pathogenic for Carnitine palmitoyltransferase II deficiency. Last evaluated: 2025-04-07. Review status: criteria provided, single submitter. Criteria: Myriad Autosomal Dominant, Autosomal Recessive and X-Linked Classification Criteria (2023). Collection method: clinical testing. Allele origin: unknown.
Comment: NM_000098.2(CPT2):c.1741C>T(Q581*) is a nonsense variant classified as pathogenic in the context of carnitine palmitoyltransferase II deficiency. Q581* has not been observed in cases with relevant disease. Relevant functional assessments of this variant are not available in the literature. Q581* has not been observed in referenced population frequency databases. In summary, NM_000098.2(CPT2):c.1741C>T(Q581*) is a nonsense variant in a gene where loss of function is a known mechanism of disease and is predicted to disrupt protein function. Please note: this variant was assessed in the context of healthy population screening.

PreventionGenetics, part of Exact Sciences
Classification: Likely pathogenic for CPT2-related condition. Last evaluated: 2024-02-07. Review status: no assertion criteria provided. Collection method: clinical testing. Allele origin: germline. Not counted in ClinVar's aggregate classification.
Comment: The CPT2 c.1741C>T variant is predicted to result in premature protein termination (p.Gln581*). To our knowledge, this variant has not been reported in the literature or in a large population database, indicating this variant is rare. Nonsense variants in CPT2 are expected to be pathogenic. This variant is interpreted as likely pathogenic.

Literature cited by the submitters: PubMed 17936304 (cited by Labcorp Genetics (formerly Invitae), Labcorp); PubMed 21913903 (cited by Labcorp Genetics (formerly Invitae), Labcorp).